The following is an entry in ClinVar:

ClinVar aggregate classification (germline): Likely benign (1 of 4 stars; one submission).

Submission:

GeneDx
Classification: Likely benign. Last evaluated: 2015-04-22. Review status: criteria provided, single submitter. Criteria: GeneDx Variant Classification (06012015). Collection method: clinical testing. Allele origin: germline. Affected: yes.
Comment: This variant is considered likely benign or benign based on one or more of the following criteria: it is a conservative change, it occurs at a poorly conserved position in the protein, it is predicted to be benign by multiple in silico algorithms, and/or has population frequency not consistent with disease.

NM_000059.4(BRCA2):c.10085_10088del (p.Phe3362fs)

Gene: BRCA2 (BRCA2 DNA repair associated; plus strand). Cytogenetic location: 13q13.1.
Variant type: Deletion.
Coding change: c.10085_10088del on transcript NM_000059.4 (MANE Select); coding-DNA positions 10085 to 10088, 4 bases deleted (TTAT; older notation c.10085_10088delTTAT).
Protein change: p.Phe3362fs; shifts the reading frame from phenylalanine 3362.
Molecular consequence: frameshift variant.
Genome position (GRCh38, 1-based): chr13:32,398,598-32,398,601, TTAT deleted; deleting any 4 consecutive bases within chr13:32,398,596-32,398,601 gives the same sequence; the c. name uses the placement nearest the transcript's 3' end. VCF-style (leftmost placement, unchanged base first): chr13-32398595-AATTT-A. GRCh37 (hg19) VCF-style: chr13-32972732-AATTT-A.
Other names: c.10085_10088delTTAT (NM_000059.3); short protein forms F3362fs.
Identifiers: ClinVar variation 418925 (VCV000418925.1), dbSNP rs1064793529, ClinGen allele CA16619802.